The following is an entry in ClinVar:

ClinVar aggregate classification (germline): Conflicting classifications of pathogenicity. Review status: criteria provided, conflicting classifications (1 of 4 stars). 4 submissions from 4 submitters: Uncertain significance (2); Likely benign (1). 1 of the submissions does not count toward it. Last evaluated 2023-12-11.

Conditions:
Dyskeratosis congenita. Identifiers: Orphanet 1775, MedGen C0265965, MONDO:0015780.
CTC1-related disorder. Also called: CTC1-related condition.

Allele frequency attached by ClinVar (database versions not stated): gnomAD 0.00016 and 0.00017; ESP Exome Variant Server 0.00017; TOPMed 0.00022.
gnomAD v4.1: 394 of 1,553,504 alleles (0.025%); highest among the groups gnomAD compares: Non-Finnish European, 0.033%; no homozygotes.

Submissions (4):

Blueprint Genetics
Classification: Likely benign. Last evaluated: 2023-12-11. Review status: criteria provided, single submitter. Criteria: ACMG Guidelines, 2015. Collection method: clinical testing. Allele origin: germline.

Genetic Services Laboratory, University of Chicago
Classification: Uncertain significance. Last evaluated: 2019-10-09. Review status: criteria provided, single submitter. Criteria: ACMG Guidelines, 2015. Collection method: clinical testing. Allele origin: germline. Affected: no.

Illumina Laboratory Services, Illumina
Classification: Uncertain significance for Dyskeratosis congenita. Last evaluated: 2018-01-12. Review status: criteria provided, single submitter. Criteria: ICSL Variant Classification Criteria 13 December 2019. Collection method: clinical testing. Allele origin: germline.

PreventionGenetics, part of Exact Sciences
Classification: Uncertain significance for CTC1-related condition. Last evaluated: 2024-04-18. Review status: no assertion criteria provided. Collection method: clinical testing. Allele origin: germline. Not counted in ClinVar's aggregate classification.
Comment: The CTC1 c.-10C>T variant is located in the 5' untranslated region. To our knowledge, this variant has not been reported in the literature. This variant is reported in 0.020% of alleles in individuals of European (Non-Finnish) descent in gnomAD. At this time, the clinical significance of this variant is uncertain due to the absence of conclusive functional and genetic evidence.

NM_025099.6(CTC1):c.-10C>T

Genes: PFAS (phosphoribosylformylglycinamidine synthase; plus strand), CTC1 (CST telomere replication complex component 1; minus strand). Cytogenetic location: 17p13.1.
Variant type: single nucleotide variant.
Coding change: c.-10C>T on transcript NM_025099.6 (MANE Select); 10 bases upstream of the start codon, C replaced by T.
Molecular consequence: 5 prime UTR variant. On other transcripts: non-coding transcript variant (1).
Genome position (GRCh38, 1-based): chr17:8,248,046, G>A on the plus strand (C>T on the coding strand, the complement: CTC1 is on the minus strand). VCF-style: chr17-8248046-G-A. GRCh37 (hg19) VCF-style: chr17-8151364-G-A.
Identifiers: ClinVar variation 326092 (VCV000326092.10), dbSNP rs201782976, ClinGen allele CA8372780.
Genomic context (GRCh38, chr17:8,248,046, plus strand): 5'-CGTAATAGCAGCACTCACGGAGGAAGGGACCTGGGCCCGGCCAGCCGCCATGATGCGCCG[G>A]AGCTCCGCCCCCGGGAGGGGCAGGTGCTCGCTTGGGGGTGGGGATGGGGGTGGGGGGGCG-3'